The following is an entry in ClinVar:

ClinVar aggregate classification (germline): Likely benign. Review status: criteria provided, multiple submitters, no conflicts (2 of 4 stars). 5 submissions from 5 submitters: Likely benign (5). Last evaluated 2026-02-01.

Conditions:
Spermatogenic failure 18. Identifiers: MedGen C4539783, MONDO:0054615, OMIM 617576.
Ciliary dyskinesia, primary, 37 (CILD37). Also called: CILIARY DYSKINESIA, PRIMARY, 37, WITH OR WITHOUT SITUS INVERSUS. Identifiers: MedGen C4539798, MONDO:0033204, OMIM 617577.

Allele frequency attached by ClinVar (database versions not stated): 1000 Genomes Project 30x 0.00078; 1000 Genomes Project 0.00080; gnomAD 0.00178 and 0.00186; TOPMed 0.00212; ESP Exome Variant Server 0.00216; gnomAD exomes 0.00266 and 0.00276; ExAC 0.00306.
gnomAD v4.1: 4,375 of 1,613,144 alleles (0.27%); highest among the groups gnomAD compares: Middle Eastern, 0.83%; 14 homozygotes.

Submissions (5):

Labcorp Genetics (formerly Invitae), Labcorp
Classification: Likely benign for Ciliary dyskinesia, primary, 37; Spermatogenic failure 18. Last evaluated: 2026-02-01. Review status: criteria provided, single submitter. Criteria: Invitae Variant Classification Sherloc (09022015). Collection method: clinical testing. Allele origin: germline.

CeGaT Center for Human Genetics Tuebingen
Classification: Likely benign. Last evaluated: 2025-10-01. Review status: criteria provided, single submitter. Criteria: CeGaT Center For Human Genetics Tuebingen Variant Classification Criteria Version 2. Collection method: clinical testing. Allele origin: germline. Affected: yes. Observed: 6 variant alleles.
Comment: DNAH1: BP4, BS2

Genomic Medicine Center of Excellence, King Faisal Specialist Hospital and Research Centre
Classification: Likely benign. Last evaluated: 2025-08-18. Review status: criteria provided, single submitter. Criteria: ACMG Guidelines, 2015. Collection method: clinical testing. Allele origin: germline.

Blueprint Genetics
Classification: Likely benign. Last evaluated: 2024-11-26. Review status: criteria provided, single submitter. Criteria: ACMG Guidelines, 2015. Collection method: clinical testing. Allele origin: germline.

Breakthrough Genomics
Classification: Likely benign. Review status: criteria provided, single submitter. Criteria: ACMG Guidelines, 2015. Collection method: not provided. Allele origin: germline. Inheritance: Autosomal recessive inheritance. Affected: yes.

NM_015512.5(DNAH1):c.10216G>A (p.Val3406Ile)

Gene: DNAH1 (dynein axonemal heavy chain 1; plus strand). Cytogenetic location: 3p21.1.
Variant type: single nucleotide variant.
Coding change: c.10216G>A on transcript NM_015512.5 (MANE Select); coding-DNA position 10216, G replaced by A.
Protein change: p.Val3406Ile; replaces valine 3406 with isoleucine.
Molecular consequence: missense variant.
Genome position (GRCh38, 1-based): chr3:52,392,627, G>A. VCF-style: chr3-52392627-G-A. GRCh37 (hg19) VCF-style: chr3-52426643-G-A.
Other names: short protein forms V3406I.
Identifiers: ClinVar variation 478381 (VCV000478381.37), dbSNP rs201752275, ClinGen allele CA2435737.